The following is an entry in ClinVar:

NM_001110556.2(FLNA):c.1430C>T (p.Ala477Val)

Gene: FLNA (filamin A; minus strand). Cytogenetic location: Xq28.
Variant type: single nucleotide variant.
Coding change: c.1430C>T on transcript NM_001110556.2 (MANE Select); coding-DNA position 1430, C replaced by T.
Protein change: p.Ala477Val; replaces alanine 477 with valine.
Molecular consequence: missense variant.
Genome position (GRCh38, 1-based): chrX:154,365,486, G>A on the plus strand (C>T on the coding strand, the complement: FLNA is on the minus strand). VCF-style: chrX-154365486-G-A. GRCh37 (hg19) VCF-style: chrX-153593854-G-A.
Other names: c.1430C>T, p.Ala477Val (NM_001456.4); short protein forms A477V.
Identifiers: ClinVar variation 2083670 (VCV002083670.4), dbSNP rs2522758008, ClinGen allele CA415243583.
Genomic context (GRCh38, chrX:154,365,486, plus strand): 5'-ACCCGCACACCCTTGGGCTGGAGGCCCCGGCCAACCGCCCGGCAGGCACTCGGGTTACAG[G>A]CTGCAGGCAGAGGGGCCAGCTGAGCACCAGCAGCTCGGCTGGGCGACCCCTCCCTTGCCT-3'
Protein context (NP_001104026.1, residues 467-487): RSPYTVTVGQ[Ala477Val]CNPSACRAVG

ClinVar aggregate classification (germline): Uncertain significance (1 of 4 stars; one submission).

Conditions:
Melnick-Needles syndrome (MNS). Also called: MELNICK-NEEDLES OSTEODYSPLASTY; OSTEODYSPLASTY OF MELNICK AND NEEDLES; Melnick-Needles Syndrome (FLNA-MNS). Identifiers: Orphanet 2484, MedGen C0025237, MONDO:0010650, OMIM 309350.
Heterotopia, periventricular, X-linked dominant (PVNH1). Also called: PERIVENTRICULAR NODULAR HETEROTOPIA 1; X-linked periventricular heterotopia; PERIVENTRICULAR NODULAR HETEROTOPIA 4; HETEROTOPIA, PERIVENTRICULAR, 1. Identifiers: Orphanet 2149, Orphanet 82004, MedGen C1848213, MONDO:0010233, OMIM 300049.
Frontometaphyseal dysplasia (FMD1). Identifiers: Orphanet 1826, MedGen C0265293, MONDO:0015942.
Oto-palato-digital syndrome, type II (OPD2). Also called: FACIOPALATOOSSEOUS SYNDROME; OPD II SYNDROME; Otopalatodigital Syndrome Type 2 (FLNA-OPD2); Otopalatodigital Syndrome, Type II. Identifiers: Orphanet 669, Orphanet 90652, MedGen C1844696, MONDO:0010571, OMIM 304120.

Submission:

Labcorp Genetics (formerly Invitae), Labcorp
Classification: Uncertain significance for Oto-palato-digital syndrome, type II; Heterotopia, periventricular, X-linked dominant; Frontometaphyseal dysplasia; Melnick-Needles syndrome. Last evaluated: 2022-01-15. Review status: criteria provided, single submitter. Criteria: Invitae Variant Classification Sherloc (09022015). Collection method: clinical testing. Allele origin: germline.
Comment: Algorithms developed to predict the effect of missense changes on protein structure and function are either unavailable or do not agree on the potential impact of this missense change (SIFT: "Deleterious"; PolyPhen-2: "Possibly Damaging"; Align-GVGD: "Class C0"). This variant has not been reported in the literature in individuals affected with FLNA-related conditions. In summary, the available evidence is currently insufficient to determine the role of this variant in disease. Therefore, it has been classified as a Variant of Uncertain Significance. This variant is not present in population databases (gnomAD no frequency). This sequence change replaces alanine, which is neutral and non-polar, with valine, which is neutral and non-polar, at codon 477 of the FLNA protein (p.Ala477Val).